The following is an entry in ClinVar:

ClinVar aggregate classification (germline): Pathogenic (1 of 4 stars; one submission).

Submission:

GeneDx
Classification: Pathogenic. Last evaluated: 2018-01-10. Review status: criteria provided, single submitter. Criteria: GeneDx Variant Classification (06012015). Collection method: clinical testing. Allele origin: germline. Affected: yes.
Comment: The c.4025delA deletion in the KAT6A gene has not been reported previously as a pathogenic variant nor as a benign polymorphism, to our knowledge. The c.4025delA variant causes a frameshift starting with codon Lysine 1342, changes this amino acid to a Arginine residue, and creates a premature Stop codon at position 11 of the new reading frame, denoted p.K1342RfsX11. This deletion is predicted to cause loss of normal protein function through protein truncation. The c.4025delA deletion was not observed in approximately 6,500 individuals of European and African American ancestry in the NHLBI Exome Sequencing Project, indicating it is not a common benign variant in these populations. We interpret c.4025delA as a pathogenic variant.

NM_006766.5(KAT6A):c.4025del (p.Lys1342fs)

Gene: KAT6A (lysine acetyltransferase 6A; minus strand). Cytogenetic location: 8p11.21.
Variant type: Deletion.
Coding change: c.4025del on transcript NM_006766.5 (MANE Select); coding-DNA position 4025, one base deleted (A; older notation c.4025delA).
Protein change: p.Lys1342fs; shifts the reading frame from lysine 1342.
Molecular consequence: frameshift variant.
Genome position (GRCh38, 1-based): chr8:41,934,195, T deleted on the plus strand (A on the coding strand, the reverse complement: KAT6A is on the minus strand); the first of 2 consecutive T bases (chr8:41,934,195-41,934,196); deleting either gives the same sequence. VCF-style (leftmost placement, unchanged base first): chr8-41934194-CT-C. GRCh37 (hg19) VCF-style: chr8-41791712-CT-C.
Other names: short protein forms K1342fs.
Identifiers: ClinVar variation 419562 (VCV000419562.2), dbSNP rs1064793955, ClinGen allele CA16618639.
Genomic context (GRCh38, chr8:41,934,194, plus strand): 5'-CTTTTCCCTACTCTTCTGCATATTAGCATCTAAAAAAGACTCTTGAACACCAGGCTCCTC[CT>C]TGACATCTTCCCTCGTGGGCTGTTCCTCTAGCTCCTTTTTCTTTGTGGACTCCAGGTGGC-3'